The following is an entry in ClinVar:

NM_004663.5(RAB11A):c.282T>A (p.Ala94=)

Gene: RAB11A (RAB11A, member RAS oncogene family; plus strand). Cytogenetic location: 15q22.31.
Variant type: single nucleotide variant.
Coding change: c.282T>A on transcript NM_004663.5 (MANE Select); coding-DNA position 282, T replaced by A.
Protein change: p.Ala94=; no amino-acid change (alanine 94 retained).
Molecular consequence: synonymous variant.
Genome position (GRCh38, 1-based): chr15:65,877,807, T>A. VCF-style: chr15-65877807-T-A. GRCh37 (hg19) VCF-style: chr15-66170145-T-A.
Other names: c.282T>A (NM_004663.4); c.282T>A, p.Ala94= (NM_001206836.2).
Identifiers: ClinVar variation 1599543 (VCV001599543.9), dbSNP rs746774499, ClinGen allele CA7621574.

ClinVar aggregate classification (germline): Benign/Likely benign. Review status: criteria provided, multiple submitters, no conflicts (2 of 4 stars). 2 submissions from 2 submitters: Benign (1); Likely benign (1). Last evaluated 2026-01-21.

Conditions:
RAB11A-related disorder. Also called: RAB11A-related condition.

Allele frequency attached by ClinVar (database versions not stated): gnomAD 0.00008 and 0.00009; TOPMed 0.00028; ExAC 0.00050; gnomAD exomes 0.00067.
gnomAD v4.1: 196 of 1,611,242 alleles (0.012%); highest among the groups gnomAD compares: Admixed American, 0.32%; 2 homozygotes.

Submissions (2):

Labcorp Genetics (formerly Invitae), Labcorp
Classification: Benign. Last evaluated: 2026-01-21. Review status: criteria provided, single submitter. Criteria: Invitae Variant Classification Sherloc (09022015). Collection method: clinical testing. Allele origin: germline.

PreventionGenetics, part of Exact Sciences
Classification: Likely benign for RAB11A-related condition. Last evaluated: 2026-01-02. Review status: criteria provided, single submitter. Criteria: ACMG Guidelines, 2015. Collection method: clinical testing. Allele origin: germline.
Comment: This variant is classified as likely benign based on ACMG/AMP sequence variant interpretation guidelines (Richards et al. 2015 PMID: 25741868, with internal and published modifications).